The following is an entry in ClinVar:

NM_172362.3(KCNH1):c.1078C>T (p.Arg360Cys)

Gene: KCNH1 (potassium voltage-gated channel subfamily H member 1; minus strand). Cytogenetic location: 1q32.2.
Variant type: single nucleotide variant.
Coding change: c.1078C>T on transcript NM_172362.3 (MANE Select); coding-DNA position 1078, C replaced by T.
Protein change: p.Arg360Cys; replaces arginine 360 with cysteine.
Molecular consequence: missense variant.
Genome position (GRCh38, 1-based): chr1:210,920,024, G>A on the plus strand (C>T on the coding strand, the complement: KCNH1 is on the minus strand). VCF-style: chr1-210920024-G-A. GRCh37 (hg19) VCF-style: chr1-211093366-G-A.
Other names: c.997C>T, p.Arg333Cys (NM_002238.4); short protein forms R333C, R360C.
Identifiers: ClinVar variation 1190684 (VCV001190684.7), dbSNP rs2102561817, ClinGen allele CA344874150.

ClinVar aggregate classification (germline): Conflicting classifications of pathogenicity. Review status: criteria provided, conflicting classifications (1 of 4 stars). 2 submissions from 2 submitters: Likely pathogenic (1); Uncertain significance (1). Last evaluated 2025-12-15.

Submissions (2):

Labcorp Genetics (formerly Invitae), Labcorp
Classification: Uncertain significance. Last evaluated: 2025-12-15. Review status: criteria provided, single submitter. Criteria: Invitae Variant Classification Sherloc (09022015). Collection method: clinical testing. Allele origin: germline.
Comment: This sequence change replaces arginine, which is basic and polar, with cysteine, which is neutral and slightly polar, at codon 360 of the KCNH1 protein (p.Arg360Cys). This variant is not present in population databases (gnomAD no frequency). This variant has not been reported in the literature in individuals affected with KCNH1-related conditions. ClinVar contains an entry for this variant (Variation ID: 1190684). Invitae Evidence Modeling of protein sequence and biophysical properties (such as structural, functional, and spatial information, amino acid conservation, physicochemical variation, residue mobility, and thermodynamic stability) has been performed for this missense variant. However, the output from this modeling did not meet the statistical confidence thresholds required to predict the impact of this variant on KCNH1 protein function. In summary, the available evidence is currently insufficient to determine the role of this variant in disease. Therefore, it has been classified as a Variant of Uncertain Significance.

GeneDx
Classification: Likely pathogenic. Last evaluated: 2025-10-20. Review status: criteria provided, single submitter. Criteria: GeneDx Variant Classification Process June 2021. Collection method: clinical testing. Allele origin: germline. Affected: yes.
Comment: Not observed at significant frequency in large population cohorts (gnomAD); In silico analysis supports that this missense variant has a deleterious effect on protein structure/function; Has not been previously published as pathogenic or benign to our knowledge